The following is an entry in ClinVar:

NM_000548.5(TSC2):c.3366T>C (p.Arg1122=)

Gene: TSC2 (TSC complex subunit 2; plus strand). Cytogenetic location: 16p13.3.
Variant type: single nucleotide variant.
Coding change: c.3366T>C on transcript NM_000548.5 (MANE Select); coding-DNA position 3366, T replaced by C.
Protein change: p.Arg1122=; no amino-acid change (arginine 1122 retained).
Molecular consequence: synonymous variant.
Genome position (GRCh38, 1-based): chr16:2,079,638, T>C. VCF-style: chr16-2079638-T-C. GRCh37 (hg19) VCF-style: chr16-2129639-T-C.
Other names: c.3366T>C (NM_000548.4); c.3234T>C, p.Arg1078= (NM_001077183.3, NM_001370404.1); c.3366T>C, p.Arg1122= (NM_001114382.3); c.3126T>C, p.Arg1042= (NM_001318827.2); c.3090T>C, p.Arg1030= (NM_001318829.2); c.2634T>C, p.Arg878= (NM_001318831.2); c.3267T>C, p.Arg1089= (NM_001318832.2); c.3237T>C, p.Arg1079= (NM_001363528.2, NM_001370405.1, NM_021055.3).
Identifiers: ClinVar variation 281341 (VCV000281341.36), dbSNP rs778352969, ClinGen allele CA046154.
Genomic context (GRCh38, chr16:2,079,638, plus strand): 5'-GAGACAGACCAAGGAGGCGCCGGCCAAGCTGGAGTCCCAGGCTGGGCAGCAGGTGTCCCG[T>C]GGGGCCCGGGATCGGGTCCGTTCCATGTCGGGTGAGCCTTGGCCCCAGCCACCTCCACAC-3'
Protein context (NP_000539.2, residues 1112-1132): LESQAGQQVS[Arg1122=]GARDRVRSMS

ClinVar aggregate classification (germline): Conflicting classifications of pathogenicity. Review status: criteria provided, conflicting classifications (1 of 4 stars). 11 submissions from 11 submitters: Uncertain significance (1); Benign (2); Likely benign (8). Last evaluated 2026-08-01.

Conditions:
TSC2-related disorder. Also called: TSC2-related condition; TSC2-Related Disorders.
Hereditary cancer-predisposing syndrome. Also called: Hereditary neoplastic syndrome; Hereditary Cancer Syndrome; Neoplastic Syndromes, Hereditary; Tumor predisposition. Identifiers: Orphanet 140162, MedGen C0027672, MeSH D009386, MONDO:0015356.
Tuberous sclerosis syndrome (TSC). Also called: Tuberous Sclerosis Complex; Tuberous sclerosis. Identifiers: Orphanet 805, MedGen C0041341, MONDO:0001734.
Tuberous sclerosis 2 (TSC2). Identifiers: Orphanet 805, MedGen C1860707, MONDO:0013199, OMIM 613254.

Allele frequency attached by ClinVar (database versions not stated): gnomAD exomes below 0.00001; ExAC 0.00001; gnomAD 0.00001; TOPMed 0.00001.
gnomAD v4.1: 6 of 1,607,248 alleles (0.00037%); highest among the groups gnomAD compares: Middle Eastern, 0.017%; no homozygotes.

Submissions (11):

CeGaT Center for Human Genetics Tuebingen
Classification: Likely benign. Last evaluated: 2026-08-01. Review status: criteria provided, single submitter. Criteria: CeGaT Center For Human Genetics Tuebingen Variant Classification Criteria Version 2. Collection method: clinical testing. Allele origin: germline. Affected: yes. Observed: 1 variant allele.
Comment: TSC2: BP4, BP7

PreventionGenetics, part of Exact Sciences
Classification: Likely benign for TSC2-related condition. Last evaluated: 2026-06-17. Review status: criteria provided, single submitter. Criteria: ACMG Guidelines, 2015. Collection method: clinical testing. Allele origin: germline.
Comment: This variant is classified as likely benign based on ACMG/AMP sequence variant interpretation guidelines (Richards et al. 2015 PMID: 25741868, with internal and published modifications).

Labcorp Genetics (formerly Invitae), Labcorp
Classification: Benign for Tuberous sclerosis 2. Last evaluated: 2026-01-26. Review status: criteria provided, single submitter. Criteria: Invitae Variant Classification Sherloc (09022015). Collection method: clinical testing. Allele origin: germline.

Myriad Genetics, Inc.
Classification: Benign for Tuberous sclerosis 2. Last evaluated: 2025-05-28. Review status: criteria provided, single submitter. Criteria: Myriad Autosomal Dominant, Autosomal Recessive and X-Linked Classification Criteria (2023). Collection method: clinical testing. Allele origin: unknown.
Comment: This variant is considered benign. This variant is a silent/synonymous amino acid change and it is not expected to impact splicing.

Quest Diagnostics Nichols Institute San Juan Capistrano
Classification: Likely benign. Last evaluated: 2024-07-18. Review status: criteria provided, single submitter. Criteria: Quest Diagnostics criteria. Collection method: clinical testing. Allele origin: unknown.
Comment: Computational tools yielded predictions that this variant is unlikely to have an effect on normal RNA splicing. This nucleotide position exhibits low evolutionary conservation. This variant has been seen where an alternate explanation for disease was also identified.

Color Diagnostics, LLC DBA Color Health
Classification: Likely benign for Tuberous sclerosis syndrome. Last evaluated: 2022-10-01. Review status: criteria provided, single submitter. Criteria: ACMG Guidelines, 2015. Collection method: clinical testing. Allele origin: germline.

GeneDx
Classification: Likely benign. Last evaluated: 2021-11-09. Review status: criteria provided, single submitter. Criteria: GeneDx Variant Classification Process June 2021. Collection method: clinical testing. Allele origin: germline. Affected: yes.

Genome-Nilou Lab
Classification: Likely benign for Tuberous sclerosis 2. Last evaluated: 2021-11-07. Review status: criteria provided, single submitter. Criteria: ACMG Guidelines, 2015. Collection method: clinical testing. Allele origin: germline. Affected: no.

ARUP Laboratories, Molecular Genetics and Genomics, ARUP Laboratories
Classification: Likely benign. Last evaluated: 2020-06-09. Review status: criteria provided, single submitter. Criteria: ARUP Molecular Germline Variant Investigation Process. Collection method: clinical testing. Allele origin: germline.

Ambry Genetics
Classification: Likely benign for Hereditary cancer-predisposing syndrome. Last evaluated: 2015-11-18. Review status: criteria provided, single submitter. Criteria: Ambry Variant Classification Scheme 2023. Collection method: clinical testing. Allele origin: germline.

Eurofins Ntd Llc (ga)
Classification: Uncertain significance. Last evaluated: 2015-06-15. Review status: criteria provided, single submitter. Criteria: EGL Classification Definitions 2015. Collection method: clinical testing. Allele origin: germline. Observed: 1 variant allele, 1 heterozygote.